The following is an entry in ClinVar:

NM_006371.5(CRTAP):c.169G>A (p.Gly57Ser)

Gene: CRTAP (cartilage associated protein; plus strand). Cytogenetic location: 3p22.3.
Variant type: single nucleotide variant.
Coding change: c.169G>A on transcript NM_006371.5 (MANE Select); coding-DNA position 169, G replaced by A.
Protein change: p.Gly57Ser; replaces glycine 57 with serine.
Molecular consequence: missense variant.
Genome position (GRCh38, 1-based): chr3:33,114,246, G>A. VCF-style: chr3-33114246-G-A. GRCh37 (hg19) VCF-style: chr3-33155738-G-A.
Other names: c.169G>A, p.Gly57Ser (NM_001393363.1, NM_001393364.1, NM_001393365.1); short protein forms G57S.
Identifiers: ClinVar variation 2198792 (VCV002198792.3), dbSNP rs1234822246, ClinGen allele CA352008290.
Genomic context (GRCh38, chr3:33,114,246, plus strand): 5'-CCACGGGACGAGCTGATGCCGCTCGAGTCGGCCTACCGGCACGCGCTGGACAAGTACAGC[G>A]GCGAGCACTGGGCCGAGAGCGTGGGCTACCTGGAGATCAGCCTGCGGCTGCACCGCTTGC-3'
Protein context (NP_006362.1, residues 47-67): AYRHALDKYS[Gly57Ser]EHWAESVGYL

ClinVar aggregate classification (germline): Uncertain significance (1 of 4 stars; one submission).

Conditions:
Osteogenesis imperfecta type 7 (OI7). Also called: OSTEOGENESIS IMPERFECTA, TYPE IIB; Osteogenesis imperfecta type 2B; OI type 2B; Osteogenesis imperfecta, perinatal lethal autosomal recessive; OI type IIB; OI type 7. Identifiers: MedGen C1853162, MONDO:0012536, OMIM 610682.

Allele frequency attached by ClinVar (database versions not stated): TOPMed below 0.00001.
gnomAD v4.1: 3 of 1,589,124 alleles (0.00019%); highest among the groups gnomAD compares: African/African-American, 0.0014%; no homozygotes.

Submission:

Labcorp Genetics (formerly Invitae), Labcorp
Classification: Uncertain significance for Osteogenesis imperfecta type 7. Last evaluated: 2024-04-03. Review status: criteria provided, single submitter. Criteria: Invitae Variant Classification Sherloc (09022015). Collection method: clinical testing. Allele origin: germline.
Comment: This sequence change replaces glycine, which is neutral and non-polar, with serine, which is neutral and polar, at codon 57 of the CRTAP protein (p.Gly57Ser). The frequency data for this variant in the population databases is considered unreliable, as metrics indicate poor data quality at this position in the gnomAD database. This variant has not been reported in the literature in individuals affected with CRTAP-related conditions. ClinVar contains an entry for this variant (Variation ID: 2198792). Advanced modeling of protein sequence and biophysical properties (such as structural, functional, and spatial information, amino acid conservation, physicochemical variation, residue mobility, and thermodynamic stability) performed at Invitae indicates that this missense variant is not expected to disrupt CRTAP protein function with a negative predictive value of 80%. In summary, the available evidence is currently insufficient to determine the role of this variant in disease. Therefore, it has been classified as a Variant of Uncertain Significance.